The following is an entry in ClinVar:

ClinVar aggregate classification (germline): Likely benign (1 of 4 stars; one submission).

Submission:

CeGaT Center for Human Genetics Tuebingen
Classification: Likely benign. Last evaluated: 2025-02-01. Review status: criteria provided, single submitter. Criteria: CeGaT Center For Human Genetics Tuebingen Variant Classification Criteria Version 2. Collection method: clinical testing. Allele origin: germline. Affected: yes. Observed: 2 variant alleles.
Comment: SLC4A8: BP4, BP7

NM_001039960.3(SLC4A8):c.2172+4923C>T

Gene: SLC4A8 (solute carrier family 4 member 8; plus strand). Cytogenetic location: 12q13.13.
Variant type: single nucleotide variant.
Coding change: c.2172+4923C>T on transcript NM_001039960.3 (MANE Select); 4923 bases into the intron after coding-DNA position 2172, C replaced by T.
Molecular consequence: intron variant. On other transcripts: synonymous variant (2).
Genome position (GRCh38, 1-based): chr12:51,480,129, C>T. VCF-style: chr12-51480129-C-T. GRCh37 (hg19) VCF-style: chr12-51873913-C-T.
Other names: c.2151C>T, p.Asp717= (NM_001258403.2, NM_001405266.1); c.2136+4923C>T (NM_001405270.1); c.2013+4923C>T (NM_001258401.3); c.2172+4923C>T (NM_001405268.1).
Identifiers: ClinVar variation 3770883 (VCV003770883.13).